The following is an entry in ClinVar:

ClinVar aggregate classification (germline): Uncertain significance. Review status: criteria provided, multiple submitters, no conflicts (2 of 4 stars). 4 submissions from 2 submitters: Uncertain significance (4). Last evaluated 2025-06-12.

Conditions:
SMARCB1-related schwannomatosis. Also called: Schwannomatosis 1; SWNTS1. Identifiers: Orphanet 93921, MedGen C4048809, MONDO:0024517, OMIM 162091. Disease mechanism: loss of function.
Neurofibromatosis, type 2 (SWNV). Also called: BILATERAL ACOUSTIC NEUROFIBROMATOSIS; NF2-Related Schwannomatosis; SCHWANNOMATOSIS, VESTIBULAR. Identifiers: Orphanet 637, MedGen C0027832, MONDO:0007039, OMIM 101000. Disease mechanism: loss of function.
Familial meningioma. Also called: Meningioma, familial, susceptibility to. Identifiers: Orphanet 263662, MedGen C3551915, MONDO:0011789, OMIM 607174.

Submissions (4):

Color Diagnostics, LLC DBA Color Health
Classification: Uncertain significance for Neurofibromatosis, type 2. Last evaluated: 2025-06-12. Review status: criteria provided, single submitter. Criteria: ACMG Guidelines, 2015. Collection method: clinical testing. Allele origin: germline.
Comment: This missense variant replaces alanine with serine at codon 2 of the NF2 protein. Computational prediction suggests that this variant may not impact protein structure and function. To our knowledge, functional studies have not been reported for this variant. This variant has not been reported in individuals affected with NF2-related disorders in the literature. This variant has not been identified in the general population by the Genome Aggregation Database (gnomAD). The available evidence is insufficient to determine the role of this variant in disease conclusively. Therefore, this variant is classified as a Variant of Uncertain Significance.

Genomic Research Center, Shahid Beheshti University of Medical Sciences
Classification: Uncertain significance for Neurofibromatosis, type 2. Last evaluated: 2019-04-27. Review status: criteria provided, single submitter. Criteria: ACMG Guidelines, 2015. Collection method: clinical testing. Allele origin: unknown. Affected: yes.

Genomic Research Center, Shahid Beheshti University of Medical Sciences
Classification: Uncertain significance for Schwannomatosis 1. Last evaluated: 2019-04-27. Review status: criteria provided, single submitter. Criteria: ACMG Guidelines, 2015. Collection method: clinical testing. Allele origin: unknown. Affected: yes.

Genomic Research Center, Shahid Beheshti University of Medical Sciences
Classification: Uncertain significance for Meningioma, familial. Last evaluated: 2019-04-27. Review status: criteria provided, single submitter. Criteria: ACMG Guidelines, 2015. Collection method: clinical testing. Allele origin: unknown. Affected: yes.

NM_000268.4(NF2):c.4G>T (p.Ala2Ser)

Gene: NF2 (NF2, moesin-ezrin-radixin like (MERLIN) tumor suppressor; plus strand). Cytogenetic location: 22q12.2.
Variant type: single nucleotide variant.
Coding change: c.4G>T on transcript NM_000268.4 (MANE Select); coding-DNA position 4, G replaced by T.
Protein change: p.Ala2Ser; replaces alanine 2 with serine.
Molecular consequence: missense variant. On other transcripts: non-coding transcript variant (1).
Genome position (GRCh38, 1-based): chr22:29,604,002, G>T. VCF-style: chr22-29604002-G-T. GRCh37 (hg19) VCF-style: chr22-29999991-G-T.
Other names: c.4G>T, p.Ala2Ser (NM_016418.5, NM_181825.3, NM_181828.3 and 5 more transcripts); short protein forms A2S.
Identifiers: ClinVar variation 638486 (VCV000638486.4), dbSNP rs1601515682, ClinGen allele CA411145682.
Genomic context (GRCh38, chr22:29,604,002, plus strand): 5'-AAAGGGCTCAGAGTGCAGGCCGTGGGGCGCGAGGGTCCCGGGCCTGAGCCCCGCGCCATG[G>T]CCGGGGCCATCGCTTCCCGCATGAGCTTCAGCTCTCTCAAGAGGAAGCAACCCAAGACGT-3'
Protein context (NP_000259.1, residues 1-12): M[Ala2Ser]GAIASRMSFS